The following is an entry in ClinVar:

NM_000718.4(CACNA1B):c.5584G>A (p.Asp1862Asn)

Gene: CACNA1B (calcium voltage-gated channel subunit alpha1 B; plus strand). Cytogenetic location: 9q34.3.
Variant type: single nucleotide variant.
Coding change: c.5584G>A on transcript NM_000718.4 (MANE Select); coding-DNA position 5584, G replaced by A.
Protein change: p.Asp1862Asn; replaces aspartic acid 1862 with asparagine.
Molecular consequence: missense variant.
Genome position (GRCh38, 1-based): chr9:138,114,425, G>A. VCF-style: chr9-138114425-G-A. GRCh37 (hg19) VCF-style: chr9-141008877-G-A.
Other names: c.5584G>A (NM_000718.3); c.5584G>A, p.Asp1862Asn (NM_001243812.2); short protein forms D1862N.
Identifiers: ClinVar variation 2900915 (VCV002900915.3), dbSNP rs199901557, ClinGen allele CA5377423.

ClinVar aggregate classification (germline): Uncertain significance. Review status: criteria provided, multiple submitters, no conflicts (2 of 4 stars). 3 submissions from 3 submitters: Uncertain significance (3). Last evaluated 2025-10-28.

Allele frequency attached by ClinVar (database versions not stated): gnomAD 0.00001; TOPMed 0.00002; ExAC 0.00002; gnomAD exomes 0.00001.
gnomAD v4.1: 13 of 1,594,684 alleles (0.00082%); highest among the groups gnomAD compares: East Asian, 0.0068%; no homozygotes.

Submissions (3):

Ambry Genetics
Classification: Uncertain significance. Last evaluated: 2025-10-28. Review status: criteria provided, single submitter. Criteria: Ambry Variant Classification Scheme 2023. Collection method: clinical testing. Allele origin: germline.

GeneDx
Classification: Uncertain significance. Last evaluated: 2025-03-20. Review status: criteria provided, single submitter. Criteria: GeneDx Variant Classification Process June 2021. Collection method: clinical testing. Allele origin: germline. Affected: yes.
Comment: In silico analysis supports that this missense variant has a deleterious effect on protein structure/function; Has not been previously published as pathogenic or benign to our knowledge

Labcorp Genetics (formerly Invitae), Labcorp
Classification: Uncertain significance. Last evaluated: 2023-11-18. Review status: criteria provided, single submitter. Criteria: Invitae Variant Classification Sherloc (09022015). Collection method: clinical testing. Allele origin: germline.
Comment: This sequence change replaces aspartic acid, which is acidic and polar, with asparagine, which is neutral and polar, at codon 1862 of the CACNA1B protein (p.Asp1862Asn). The frequency data for this variant in the population databases is considered unreliable, as metrics indicate poor data quality at this position in the gnomAD database. This variant has not been reported in the literature in individuals affected with CACNA1B-related conditions. Advanced modeling of protein sequence and biophysical properties (such as structural, functional, and spatial information, amino acid conservation, physicochemical variation, residue mobility, and thermodynamic stability) has been performed at Invitae for this missense variant, however the output from this modeling did not meet the statistical confidence thresholds required to predict the impact of this variant on CACNA1B protein function. In summary, the available evidence is currently insufficient to determine the role of this variant in disease. Therefore, it has been classified as a Variant of Uncertain Significance.